The following is an entry in ClinVar:

ClinVar aggregate classification (germline): Uncertain significance. Review status: criteria provided, multiple submitters, no conflicts (2 of 4 stars). 2 submissions from 2 submitters: Uncertain significance (2). Last evaluated 2026-01-23.

Conditions:
Inborn genetic diseases. Identifiers: MedGen C0950123, MeSH D030342.

Allele frequency attached by ClinVar (database versions not stated): ExAC 0.00005; TOPMed 0.00014; gnomAD 0.00021; gnomAD exomes 0.00022.
gnomAD v4.1: 337 of 1,557,520 alleles (0.022%); highest among the groups gnomAD compares: Non-Finnish European, 0.026%; no homozygotes.

Submissions (2):

Labcorp Genetics (formerly Invitae), Labcorp
Classification: Uncertain significance. Last evaluated: 2026-01-23. Review status: criteria provided, single submitter. Criteria: Invitae Variant Classification Sherloc (09022015). Collection method: clinical testing. Allele origin: germline.
Comment: This sequence change replaces tryptophan, which is neutral and slightly polar, with glycine, which is neutral and non-polar, at codon 383 of the KIF12 protein (p.Trp383Gly). This variant is present in population databases (rs147602151, gnomAD 0.03%). This variant has not been reported in the literature in individuals affected with KIF12-related conditions. ClinVar contains an entry for this variant (Variation ID: 2373455). An algorithm developed to predict the effect of missense changes on protein structure and function outputs the following: PolyPhen-2: "Benign". The glycine amino acid residue is found in multiple mammalian species, which suggests that this missense change does not adversely affect protein function. In summary, the available evidence is currently insufficient to determine the role of this variant in disease. Therefore, it has been classified as a Variant of Uncertain Significance.

Ambry Genetics
Classification: Uncertain significance for Inborn genetic diseases. Last evaluated: 2024-12-17. Review status: criteria provided, single submitter. Criteria: Ambry Variant Classification Scheme 2023. Collection method: clinical testing. Allele origin: germline.

NM_001388308.1(KIF12):c.1561T>G (p.Trp521Gly)

Gene: KIF12 (kinesin family member 12; minus strand). Cytogenetic location: 9q32.
Variant type: single nucleotide variant.
Coding change: c.1561T>G on transcript NM_001388308.1 (MANE Select); coding-DNA position 1561, T replaced by G.
Protein change: p.Trp521Gly; replaces tryptophan 521 with glycine.
Molecular consequence: missense variant.
Genome position (GRCh38, 1-based): chr9:114,093,264, A>C on the plus strand (T>G on the coding strand, the complement: KIF12 is on the minus strand). VCF-style: chr9-114093264-A-C. GRCh37 (hg19) VCF-style: chr9-116855544-A-C.
Other names: c.1147T>G, p.Trp383Gly (NM_138424.2); short protein forms W383G, W521G.
Identifiers: ClinVar variation 2373455 (VCV002373455.4), dbSNP rs147602151, ClinGen allele CA5200465.